The following is an entry in ClinVar:

NM_000117.3(EMD):c.128C>G (p.Thr43Ser)

Gene: EMD (emerin; plus strand). Cytogenetic location: Xq28.
Variant type: single nucleotide variant.
Coding change: c.128C>G on transcript NM_000117.3 (MANE Select); coding-DNA position 128, C replaced by G.
Protein change: p.Thr43Ser; replaces threonine 43 with serine.
Molecular consequence: missense variant.
Genome position (GRCh38, 1-based): chrX:154,379,735, C>G. VCF-style: chrX-154379735-C-G. GRCh37 (hg19) VCF-style: chrX-153608095-C-G.
Other names: short protein forms T43S.
Identifiers: ClinVar variation 618081 (VCV000618081.8), dbSNP rs1569552081, ClinGen allele CA415257451.

ClinVar aggregate classification (germline): Uncertain significance (1 of 4 stars; one submission).

Submission:

ARUP Laboratories, Molecular Genetics and Genomics, ARUP Laboratories
Classification: Uncertain significance. Last evaluated: 2018-03-15. Review status: criteria provided, single submitter. Criteria: ARUP Molecular Germline Variant Investigation Process. Collection method: clinical testing. Allele origin: germline.
Comment: The EMD c.128C>G; p.Thr43Ser variant, to our knowledge, is not reported in the medical literature, gene specific variation databases, nor has it been previously identified by our laboratory. This variant is absent from the general population databases (1000 Genomes Project, Exome Variant Server, Genome Aggregation Database), indicating it is not a common polymorphism. The threonine at position 43 is moderately conserved, considering 11 species, and computational analyses of the effects of the p.Thr43Ser variant on protein structure and function do not predict a deleterious effect (SIFT: tolerated , PolyPhen-2: benign). Based on the available information, the clinical significance of the p.Thr43Ser variant cannot be determined with certainty.